The following is an entry in ClinVar:

ClinVar aggregate classification (germline): Pathogenic (1 of 4 stars; one submission).

Conditions:
Early-infantile DEE. Also called: Early infantile epileptic encephalopathy; Early infantile epileptic encephalopathy with suppression bursts; Ohtahara syndrome. Identifiers: Orphanet 1934, MedGen C0393706, MONDO:0800491.

Submission:

Labcorp Genetics (formerly Invitae), Labcorp
Classification: Pathogenic for Early-infantile DEE. Last evaluated: 2022-03-11. Review status: criteria provided, single submitter. Criteria: Invitae Variant Classification Sherloc (09022015). Collection method: clinical testing. Allele origin: germline.
Comment: For these reasons, this variant has been classified as Pathogenic. Variants that disrupt the consensus splice site are a relatively common cause of aberrant splicing (PMID: 17576681, 9536098). Algorithms developed to predict the effect of sequence changes on RNA splicing suggest that this variant may disrupt the consensus splice site. This variant has been observed in individual(s) with clinical features of SCN1A-related conditions (Invitae). In at least one individual the variant was observed to be de novo. This variant is not present in population databases (gnomAD no frequency). This sequence change affects the conensus splice site and inserts a large fragment of DNA, likely a transposable element, in intron 6 of the SCN1A gene.

Literature cited by the submitters: PubMed 17576681; PubMed 9536098.

NM_001165963.4(SCN1A):c.964+2_964+3insAAGATTCAAGTGGCCGGGCGCGGTGGCTCACGCCTGTAATCCCNNNNNAAAAAAAAAAAAAAAAAAAA

Gene: SCN1A (sodium voltage-gated channel alpha subunit 1; minus strand). Cytogenetic location: 2q24.3.
Variant type: Insertion.
Coding change: c.964+2_964+3insAAGATTCAAGTGGCCGGGCGCGGTGGCTCACGCCTGTAATCCCNNNNNAAAAAAAAAAAAAAAAAAAA on transcript NM_001165963.4 (MANE Select); the canonical splice donor site of the intron after coding-DNA position 964 through 3 bases into the intron after coding-DNA position 964, AAGATTCAAGTGGCCGGGCGCGGTGGCTCACGCCTGTAATCCCNNNNNAAAAAAAAAAAAAAAAAAAA inserted.
Molecular consequence: splice donor variant.
Genome position: GRCh38: chr2:166,051,727-166,051,728. GRCh37 (hg19): chr2:166,908,237-166,908,238.
Other names: c.964+2_964+3insAAGATTCAAGTGGCCGGGCGCGGTGGCTCACGCCTGTAATCCCNNNNNAAAAAAAAAAAAAAAAAAAA (NM_001353949.2, NM_001353958.2, NM_001353950.2 and 10 more transcripts); c.-1462+2_-1462+3insAAGATTCAAGTGGCCGGGCGCGGTGGCTCACGCCTGTAATCCCNNNNNAAAAAAAAAAAAAAAAAAAA (NM_001353961.2).
Identifiers: ClinVar variation 2109605 (VCV002109605.4), dbSNP rs2468220483.